The following is an entry in ClinVar:

NM_199420.4(POLQ):c.5722G>A (p.Gly1908Ser)

Gene: POLQ (DNA polymerase theta; minus strand). Cytogenetic location: 3q13.33.
Variant type: single nucleotide variant.
Coding change: c.5722G>A on transcript NM_199420.4 (MANE Select); coding-DNA position 5722, G replaced by A.
Protein change: p.Gly1908Ser; replaces glycine 1908 with serine.
Molecular consequence: missense variant.
Genome position (GRCh38, 1-based): chr3:121,485,092, C>T on the plus strand (G>A on the coding strand, the complement: POLQ is on the minus strand). VCF-style: chr3-121485092-C-T. GRCh37 (hg19) VCF-style: chr3-121203939-C-T.
Other names: short protein forms G1908S.
Identifiers: ClinVar variation 3308662 (VCV003308662.1).
Genomic context (GRCh38, chr3:121,485,092, plus strand): 5'-ATTACTTACCAGAATGCTTTTGTTCCTTCTGCAGTGAAAAATAATAGGCATCCCTTCCAC[C>T]CCAGCATACTGCCAGTCCAACCACCAAGGTGTCATCACAACCTTTAATGGGAAATCCATC-3'
Protein context (NP_955452.3, residues 1898-1918): TLVVGLAVCW[Gly1908Ser]GRDAYYFSLQ

ClinVar aggregate classification (germline): Uncertain significance (1 of 4 stars; one submission).

Submission:

Ambry Genetics
Classification: Uncertain significance. Last evaluated: 2024-04-29. Review status: criteria provided, single submitter. Criteria: Ambry Variant Classification Scheme 2023. Collection method: clinical testing. Allele origin: germline.
Comment: The p.G1908S variant (also known as c.5722G>A), located in coding exon 17 of the POLQ gene, results from a G to A substitution at nucleotide position 5722. The glycine at codon 1908 is replaced by serine, an amino acid with similar properties. This amino acid position is conserved. In addition, the in silico prediction for this alteration is inconclusive. Based on the available evidence, the clinical significance of this variant remains unclear.